The following is an entry in ClinVar:

NM_005609.4(PYGM):c.661-599G>T

Gene: PYGM (glycogen phosphorylase, muscle associated; minus strand). Cytogenetic location: 11q13.1.
Variant type: single nucleotide variant.
Coding change: c.661-599G>T on transcript NM_005609.4 (MANE Select); 599 bases into the intron before coding-DNA position 661, G replaced by T.
Molecular consequence: intron variant.
Genome position (GRCh38, 1-based): chr11:64,756,157, C>A on the plus strand (G>T on the coding strand, the complement: PYGM is on the minus strand). VCF-style: chr11-64756157-C-A. GRCh37 (hg19) VCF-style: chr11-64523629-C-A.
Other names: c.661-599G>T (NM_005609.3); c.397-599G>T (NM_001164716.1).
Identifiers: ClinVar variation 990054 (VCV000990054.3), dbSNP rs963364351, ClinGen allele CA223902240.

ClinVar aggregate classification (germline): Conflicting classifications of pathogenicity. Review status: no assertion criteria provided (0 of 4 stars). 2 submissions from 2 submitters: Uncertain significance (1); Likely benign (1). Last evaluated 2020-04-14.

Conditions:
PYGM-related disorder. Also called: PYGM-related condition.
Glycogen storage disease, type V (GSD5). Also called: PYGM DEFICIENCY; McArdle type glycogen storage disease; MCARDLE DISEASE; MUSCLE GLYCOGEN PHOSPHORYLASE DEFICIENCY; MYOPHOSPHORYLASE DEFICIENCY. Identifiers: Orphanet 368, MedGen C0017924, MONDO:0009293, OMIM 232600.

Allele frequency attached by ClinVar (database versions not stated): gnomAD 0.00005 and 0.00006; TOPMed 0.00008.
gnomAD v4.1: 9 of 152,252 alleles (0.0059%); highest among the groups gnomAD compares: Non-Finnish European, 0.0088%; no homozygotes.

Submissions (2):

Natera, Inc.
Classification: Uncertain significance for Glycogen storage disease V. Last evaluated: 2020-04-14. Review status: no assertion criteria provided. Collection method: clinical testing. Allele origin: germline.

PreventionGenetics, part of Exact Sciences
Classification: Likely benign for PYGM-related condition. Last evaluated: 2019-07-14. Review status: no assertion criteria provided. Collection method: clinical testing. Allele origin: germline.
Comment: This variant is classified as likely benign based on ACMG/AMP sequence variant interpretation guidelines (Richards et al. 2015 PMID: 25741868, with internal and published modifications).